The following is an entry in ClinVar:

ClinVar aggregate classification (germline): Uncertain significance (1 of 4 stars; one submission).

gnomAD v4.1: 4 of 1,614,204 alleles (0.00025%); highest among the groups gnomAD compares: Non-Finnish European, 0.00034%; no homozygotes.

Submission:

Labcorp Genetics (formerly Invitae), Labcorp
Classification: Uncertain significance. Last evaluated: 2024-05-01. Review status: criteria provided, single submitter. Criteria: Invitae Variant Classification Sherloc (09022015). Collection method: clinical testing. Allele origin: germline.
Comment: This sequence change replaces lysine, which is basic and polar, with glutamic acid, which is acidic and polar, at codon 184 of the REST protein (p.Lys184Glu). This variant is not present in population databases (gnomAD no frequency). This variant has not been reported in the literature in individuals affected with REST-related conditions. An algorithm developed to predict the effect of missense changes on protein structure and function (PolyPhen-2) suggests that this variant is likely to be disruptive. In summary, the available evidence is currently insufficient to determine the role of this variant in disease. Therefore, it has been classified as a Variant of Uncertain Significance.

NM_005612.5(REST):c.550A>G (p.Lys184Glu)

Gene: REST (RE1 silencing transcription factor; plus strand). Cytogenetic location: 4q12.
Variant type: single nucleotide variant.
Coding change: c.550A>G on transcript NM_005612.5 (MANE Select); coding-DNA position 550, A replaced by G.
Protein change: p.Lys184Glu; replaces lysine 184 with glutamic acid.
Molecular consequence: missense variant.
Genome position (GRCh38, 1-based): chr4:56,911,188, A>G. VCF-style: chr4-56911188-A-G. GRCh37 (hg19) VCF-style: chr4-57777354-A-G.
Other names: c.550A>G, p.Lys184Glu (NM_001193508.2, NM_001363453.3); short protein forms K184E.
Identifiers: ClinVar variation 3618138 (VCV003618138.2).